The following is an entry in ClinVar:

ClinVar aggregate classification (germline): Uncertain significance (1 of 4 stars; one submission).

Conditions:
Inborn genetic diseases. Identifiers: MedGen C0950123, MeSH D030342.

Allele frequency attached by ClinVar (database versions not stated): gnomAD exomes below 0.00001; ExAC 0.00001.
gnomAD v4.1: 2 of 1,613,278 alleles (0.00012%); highest among the groups gnomAD compares: Admixed American, 0.0017%; no homozygotes.

Submission:

Ambry Genetics
Classification: Uncertain significance for Inborn genetic diseases. Last evaluated: 2023-11-08. Review status: criteria provided, single submitter. Criteria: Ambry Variant Classification Scheme 2023. Collection method: clinical testing. Allele origin: germline.
Comment: The p.R310I variant (also known as c.929G>T), located in coding exon 7 of the BMPR2 gene, results from a G to T substitution at nucleotide position 929. The arginine at codon 310 is replaced by isoleucine, an amino acid with similar properties. This amino acid position is conserved. In addition, the in silico prediction for this alteration is inconclusive. Since supporting evidence is limited at this time, the clinical significance of this alteration remains unclear.

NM_001204.7(BMPR2):c.929G>T (p.Arg310Ile)

Gene: BMPR2 (bone morphogenetic protein receptor type 2; plus strand). Cytogenetic location: 2q33.2.
Variant type: single nucleotide variant.
Coding change: c.929G>T on transcript NM_001204.7 (MANE Select); coding-DNA position 929, G replaced by T.
Protein change: p.Arg310Ile; replaces arginine 310 with isoleucine.
Molecular consequence: missense variant.
Genome position (GRCh38, 1-based): chr2:202,520,163, G>T. VCF-style: chr2-202520163-G-T. GRCh37 (hg19) VCF-style: chr2-203384886-G-T.
Other names: short protein forms R310I.
Identifiers: ClinVar variation 3221321 (VCV003221321.1), dbSNP rs763429788, ClinGen allele CA2061252.